The following continues an entry in ClinVar:

NM_000218.3(KCNQ1):c.905C>T (p.Ala302Val)

Gene: KCNQ1. ClinVar aggregate classification (germline): Pathogenic/Likely pathogenic. Pathogenic (9); Likely pathogenic (6).

Submissions 9 to 19 of 19:

CeGaT Center for Human Genetics Tuebingen
Classification: Likely pathogenic. Last evaluated: 2024-08-01. Review status: criteria provided, single submitter. Criteria: CeGaT Center For Human Genetics Tuebingen Variant Classification Criteria Version 2. Collection method: clinical testing. Allele origin: germline. Affected: yes. Observed: 4 variant alleles.
Comment: KCNQ1: PM1, PM5, PS4:Moderate, PM2:Supporting, PS3:Supporting

All of Us Research Program, National Institutes of Health
Classification: Likely pathogenic for Long QT syndrome. Last evaluated: 2024-07-23. Review status: criteria provided, single submitter. Criteria: ACMG Guidelines, 2015. Collection method: clinical testing. Allele origin: germline. Inheritance: Autosomal dominant inheritance. Observed: 4 variant alleles, 4 heterozygotes.
Comment: This missense variant replaces alanine with valine at codon 302 of the KCNQ1 protein. Computational prediction suggests that this variant may have deleterious impact on protein structure and function (internally defined REVEL score threshold >= 0.7, PMID: 27666373). This variant is found within a highly conserved pore-forming region. Rare nontruncating variants in this region have been shown to be significantly overrepresented in individuals with long QT syndrome (PMID: 32893267). A functional study has shown that this variant causes a significant reduction in channel currents (PMID: 19808498). This variant has been observed in compound heterozygous state with a known pathogenic KCNQ1 variant in an individual affected with autosomal recessive Jervell and Lange-Nielsen syndrome (PMID: 27917693), indicating that this variant contributes to disease. This variant has also been reported in heterozygous state in several individuals affected with or suspected of having Long QT syndrome (PMID: 15840476, 17905336, 22456477, 24606995), in an individual affected with sudden explained death (PMID: 15466642), Addisons disease with prolonged QTc interval (PMID: 22311567), or atrial fibrillation case (PMID: 24144883). This variant has been identified in 1/249650 chromosomes in the general population by the Genome Aggregation Database (gnomAD). Based on the available evidence, this variant is classified as Likely Pathogenic.

This study involves interpretation of variants in research participants for the purpose of population health screening. Participant phenotype was not available at the time of variant classification. Additional details can be found in publication PMID: 35346344, PMCID: PMC8962531

Institute of Human Genetics, University of Leipzig Medical Center
Classification: Pathogenic for Long QT syndrome 1. Last evaluated: 2024-04-29. Review status: criteria provided, single submitter. Criteria: ACMG Guidelines, 2015. Collection method: clinical testing. Allele origin: unknown. Inheritance: Autosomal dominant inheritance. Affected: yes.
Comment: Criteria applied: PS3,PS4,PM5_STR,PM1,PM2_SUP,PP3

ARUP Laboratories, Molecular Genetics and Genomics, ARUP Laboratories
Classification: Pathogenic. Last evaluated: 2024-02-05. Review status: criteria provided, single submitter. Criteria: ARUP Molecular Germline Variant Investigation Process 2024. Collection method: clinical testing. Allele origin: germline.
Comment: The KCNQ1 c.905C>T; p.Ala302Val variant (rs193922365) is reported in the literature in individuals affected with long QT or atrial fibrillation (Choi 2004, Chung 2007, Kapplinger 2009, Olesen 2014, Schwartz 2021, Tester 2005). This variant is also reported in one compound heterozygous individual with a different pathogenic variant confirmed in trans in Jervell and Lange-Nielson syndrome (Wang 2017). This variant is also reported in ClinVar (Variation ID: 36439) and is only observed on one allele in the Genome Aggregation Database (v2.1.1), indicating it is not a common polymorphism. Additionally, other variants at this codon (c.904G>A, p.Ala302Thr; c.905C>A; p.Ala302Glu) have been reported in individuals with long QT and are considered disease-causing (Kapplinger 2009, Napolitano 2005, Schwartz 2021). Computational analyses predict that this variant is deleterious (REVEL: 0.932), and in vitro functional analyses demonstrate reduced IK currents and abnormal protein trafficking (Steffensen 2015, Yang 2009). Based on available information, this variant is considered to be pathogenic. References: Choi G et al. Spectrum and frequency of cardiac channel defects in swimming-triggered arrhythmia syndromes. Circulation. 2004 Oct 12;110(15):2119-24. PMID: 15466642. Chung SK et al. Long QT and Brugada syndrome gene mutations in New Zealand. Heart Rhythm. 2007 Oct;4(10):1306-14. PMID: 17905336. Kapplinger JD et al. Spectrum and prevalence of mutations from the first 2,500 consecutive unrelated patients referred for the FAMILION long QT syndrome genetic test. Heart Rhythm. 2009 Sep;6(9):1297-303. PMID: 19716085. Olesen MS et al. Very early-onset lone atrial fibrillation patients have a high prevalence of rare variants in genes previously associated with atrial fibrillation. Heart Rhythm. 2014 Feb;11(2):246-51. PMID: 24144883. Napolitano C et al. Genetic testing in the long QT syndrome: development and validation of an efficient approach to genotyping in clinical practice. JAMA. 2005 Dec 21;294(23):2975-80. PMID: 16414944. Schwartz PJ et al. Mutation location and IKs regulation in the arrhythmic risk of long QT syndrome type 1: the importance of the KCNQ1 S6 region. Eur Heart J. 2021 Dec 7;42(46):4743-4755. PMID: 34505893. Steffensen AB et al. IKs Gain- and Loss-of-Function in Early-Onset Lone Atrial Fibrillation. J Cardiovasc Electrophysiol. 2015 Jul;26(7):715-23. PMID: 25786344. Tester DJ et al. Compendium of cardiac channel mutations in 541 consecutive unrelated patients referred for long QT syndrome genetic testing. Heart Rhythm. 2005 May;2(5):507-17. PMID: 15840476. Wang C et al. Identification of KCNQ1 compound heterozygous mutations in three Chinese families with Jervell and Lange-Nielsen Syndrome. Acta Otolaryngol. 2017 May;137(5):522-528. PMID: 27917693. Yang T et al. Biophysical properties of 9 KCNQ1 mutations associated with long-QT syndrome. Circ Arrhythm Electrophysiol. 2009 Aug;2(4):417-26. PMID: 19808498.

GeneDx
Classification: Pathogenic. Last evaluated: 2024-01-05. Review status: criteria provided, single submitter. Criteria: GeneDx Variant Classification Process June 2021. Collection method: clinical testing. Allele origin: germline. Affected: yes.
Comment: Not observed at significant frequency in large population cohorts (gnomAD); In silico analysis supports that this missense variant has a deleterious effect on protein structure/function; This variant is associated with the following publications: (PMID: 29876285, 34505893, 15466642, 15840476, 19716085, 19490272, 19808498, 27409154, 22581653, 31447099, RidaM2023[Preprint], 32431610, 33332384, 35486589, 27917693, 24144883, 25786344, 17905336)

Clinical Genomics Laboratory, Washington University in St. Louis
Classification: Pathogenic for Long QT syndrome 1. Last evaluated: 2023-09-22. Review status: criteria provided, single submitter. Criteria: ACMG Guidelines, 2015. Collection method: clinical testing. Allele origin: germline.
Comment: The KCNQ1 c.905C>T (p.Ala302Val) variant has been reported in several individuals affected with long QT syndrome or atrial fibrillation (Choi G et al., PMID: 15466642; Chung SK et al., PMID: 17905336; Kapplinger JD et al., PMID: 19716085; Olesen MS et al., PMID: 24144883, Steffensen AB et al., PMID: 25786344; Tester DJ et al., PMID: 15840476; Yang T et al., PMID: 19808498). At least one individual with Lange-Nielsen syndrome was compound heterozygous for this variant and a different pathogenic variant confirmed in trans (Wang C et al., PMID: 27917693). This variant has been reported in the ClinVar database as a germline pathogenic or likely pathogenic variant by seven submitters. This variant is only observed on 1/249,650 alleles in the general population (gnomAD v.2.1.1), indicating it is not a comm on variant. This variant is located in the P loop of the protein and computational predictors indicate that the variant is damaging, evidence that correlates with impact to KCNQ1 function. In support of this prediction, functional studies have shown that this variant result in altered channel kinetics and protein trafficking of the KCNQ1 protein (Steffensen AB et al., PMID: 25786344; Yang T et al., PMID: 19808498). Based on available information and the ACMG/AMP guidelines for variant interpretation (Richards S et al., PMID: 25741868), this variant is classified as pathogenic.

Human Genome Sequencing Center Clinical Lab, Baylor College of Medicine
Classification: Likely pathogenic for Long QT syndrome 1. Last evaluated: 2018-05-01. Review status: criteria provided, single submitter. Criteria: ACMG Guidelines, 2015. Collection method: clinical testing. Allele origin: germline.
Comment: This variant has been previously described in multiple individuals with long QT syndrome and atrial fibrillation (PMID 15840476, 19716085, 17905336, 24144883, 25786344). In addition, experimental studies have shown that this variant result in altered biophysical properties of the KCNQ1 protein (PMID 19808498, 25786344). Therefore, we consider this variant to be likely pathogenic.

Women's Health and Genetics/Laboratory Corporation of America, LabCorp
Classification: Pathogenic for Long QT Syndrome. Last evaluated: 2015-04-03. Review status: no assertion criteria provided. Collection method: clinical testing. Allele origin: germline. Not counted in ClinVar's aggregate classification.

Cardiovascular Biomedical Research Unit, Royal Brompton & Harefield NHS Foundation Trust
No classification provided. Condition: Familial long QT syndrome. Review status: no classification provided. Collection method: literature only. Allele origin: germline. Not counted in ClinVar's aggregate classification.
Comment: This variant has been reported as associated with Long QT syndrome in the following publications (PMID:15466642;PMID:15840476;PMID:17905336;PMID:19716085;PMID:19808498). This is a literature report, and does not necessarily reflect the clinical interpretation of the Imperial College / Royal Brompton Cardiovascular Genetics laboratory.

Clinical Genetics, Academic Medical Center
Classification: Likely pathogenic. Review status: no assertion criteria provided. Collection method: clinical testing. Allele origin: germline. Affected: yes. Study: VKGL Data-share Consensus. Not counted in ClinVar's aggregate classification.

Joint Genome Diagnostic Labs from Nijmegen and Maastricht, Radboudumc and MUMC+
Classification: Likely pathogenic. Review status: no assertion criteria provided. Collection method: clinical testing. Allele origin: germline. Affected: yes. Study: VKGL Data-share Consensus. Not counted in ClinVar's aggregate classification.

Literature cited by the submitters: PubMed 15466642 (cited by 5 submitters); PubMed 15840476 (cited by 4 submitters); PubMed 17905336 (cited by 6 submitters); PubMed 19808498 (cited by 6 submitters); PubMed 22456477 (cited by 4 submitters); PubMed 24144883 (cited by 5 submitters); PubMed 25786344 (cited by 4 submitters); PubMed 27917693 (cited by 4 submitters); PubMed 34505893 (cited by Ambry Genetics); PubMed 38740897 (cited by Variantyx, Inc.); PubMed 22311567 (cited by 3 submitters); PubMed 24606995 (cited by 3 submitters); PubMed 32893267 (cited by Color Diagnostics, LLC DBA Color Health and All of Us Research Program, National Institutes of Health); PubMed 19716085 (cited by Cardiovascular Biomedical Research Unit, Royal Brompton & Harefield NHS Foundation Trust); PubMed 22581653 (cited by Cardiovascular Biomedical Research Unit, Royal Brompton & Harefield NHS Foundation Trust).